The following is an entry in ClinVar:

NM_004385.5(VCAN):c.8890G>A (p.Asp2964Asn)

Genes: VCAN (versican; plus strand), VCAN-AS1 (VCAN antisense RNA 1; minus strand). Cytogenetic location: 5q14.3.
Variant type: single nucleotide variant.
Coding change: c.8890G>A on transcript NM_004385.5 (MANE Select); coding-DNA position 8890, G replaced by A.
Protein change: p.Asp2964Asn; replaces aspartic acid 2964 with asparagine.
Molecular consequence: missense variant. On other transcripts: intron variant (2).
Genome position (GRCh38, 1-based): chr5:83,541,893, G>A. VCF-style: chr5-83541893-G-A. GRCh37 (hg19) VCF-style: chr5-82837712-G-A.
Other names: c.5929G>A, p.Asp1977Asn (NM_001164097.2); c.4004-3644G>A (NM_001164098.2); c.1043-3644G>A (NM_001126336.3); short protein forms D2964N, D1977N.
Identifiers: ClinVar variation 1375681 (VCV001375681.6), dbSNP rs867199496, ClinGen allele CA121776947.

ClinVar aggregate classification (germline): Uncertain significance (1 of 4 stars; one submission).

Allele frequency attached by ClinVar (database versions not stated): gnomAD exomes below 0.00001.
gnomAD v4.1: 4 of 1,614,002 alleles (0.00025%); highest among the groups gnomAD compares: East Asian, 0.0022%; no homozygotes.

Submission:

Labcorp Genetics (formerly Invitae), Labcorp
Classification: Uncertain significance. Last evaluated: 2025-07-31. Review status: criteria provided, single submitter. Criteria: Invitae Variant Classification Sherloc (09022015). Collection method: clinical testing. Allele origin: germline.
Comment: This sequence change replaces aspartic acid, which is acidic and polar, with asparagine, which is neutral and polar, at codon 2964 of the VCAN protein (p.Asp2964Asn). This variant is present in population databases (no rsID available, gnomAD 0.0009%). This variant has not been reported in the literature in individuals affected with VCAN-related conditions. ClinVar contains an entry for this variant (Variation ID: 1375681). An algorithm developed to predict the effect of missense changes on protein structure and function outputs the following: PolyPhen-2: "Benign". The asparagine amino acid residue is found in multiple mammalian species, which suggests that this missense change does not adversely affect protein function. In summary, the available evidence is currently insufficient to determine the role of this variant in disease. Therefore, it has been classified as a Variant of Uncertain Significance.